The following is an entry in ClinVar:

ClinVar aggregate classification (germline): Likely benign. Review status: reviewed by expert panel (3 of 4 stars). 11 submissions from 11 submitters: Likely benign (1). 10 of the submissions do not count toward it. Last evaluated 2023-08-10.

Conditions:
CDH1-related diffuse gastric and lobular breast cancer syndrome. Also called: CDH1-related diffuse gastric and lobular breast cancer. Identifiers: MedGen CN311521, MONDO:0100488.
Hereditary cancer-predisposing syndrome. Also called: Neoplastic Syndromes, Hereditary; Hereditary Cancer Syndrome; Hereditary neoplastic syndrome; Tumor predisposition. Identifiers: Orphanet 140162, MedGen C0027672, MeSH D009386, MONDO:0015356.
Hereditary diffuse gastric adenocarcinoma (HDGC). Also called: DIFFUSE GASTRIC AND LOBULAR BREAST CANCER SYNDROME. Identifiers: Orphanet 26106, MedGen C1708349, MONDO:0007648, OMIM 137215.
Malignant tumor of breast. Also called: Malignant breast neoplasm; Cancer breast. Identifiers: MedGen C0006142, MONDO:0007254. Disease mechanism: loss of function.

Allele frequency attached by ClinVar (database versions not stated): TOPMed 0.00006; ESP Exome Variant Server 0.00015; gnomAD exomes 0.00002 and 0.00001; gnomAD 0.00005; ExAC 0.00002.

Submissions (11):

Clingen Gastric Cancer Variant Curation Expert Panel
Classification: Likely benign for CDH1-related diffuse gastric and lobular breast cancer syndrome. Last evaluated: 2023-08-10. Review status: reviewed by expert panel. Criteria: ClinGen CDH1 ACMG Specifications V3.1. Collection method: curation. Allele origin: germline. Inheritance: Autosomal dominant inheritance.
Comment: The c.1019C>T (p.Thr340Met) missense variant has a frequency of 0.0123% in Africans (2 of 16256 alleles) in the gnomAD v2.1.1 cohort. This variant has been observed in at least 10 (14) individuals without DGC, SRC tumours or LBC and whose families do not suggest HDGC (BS2; SCV000254803.10, SCV000184790.6). In summary, the clinical significance of this variant is classified as of likely benign based the ACMG/AMP criteria applied, as specified by the CDH1 Variant Curation Expert Panel (Variant Interpretation Guidelines Version 3.1): BS2.

Labcorp Genetics (formerly Invitae), Labcorp
Classification: Likely benign for Hereditary diffuse gastric adenocarcinoma. Last evaluated: 2025-10-13. Review status: criteria provided, single submitter. Criteria: Invitae Variant Classification Sherloc (09022015). Collection method: clinical testing. Allele origin: germline. Not counted in ClinVar's aggregate classification.

Molecular Pathology, Peter Maccallum Cancer Centre
Classification: Likely benign for Hereditary diffuse gastric adenocarcinoma. Last evaluated: 2024-02-12. Review status: criteria provided, single submitter. Criteria: ACMG Guidelines, 2015. Collection method: clinical testing. Allele origin: germline. Inheritance: Autosomal dominant inheritance. Not counted in ClinVar's aggregate classification.

GeneDx
Classification: Uncertain significance. Last evaluated: 2023-10-06. Review status: criteria provided, single submitter. Criteria: GeneDx Variant Classification Process June 2021. Collection method: clinical testing. Allele origin: germline. Affected: yes. Not counted in ClinVar's aggregate classification.
Comment: Not observed at significant frequency in large population cohorts (gnomAD); In silico analysis supports that this missense variant does not alter protein structure/function; Observed in a patient with hereditary diffuse gastric cancer (Pan et al., 2021); This variant is associated with the following publications: (PMID: 11241409, 25344691, 35582588, 33471991, 32175104, 15235021, 22850631, 34537906)

Myriad Genetics, Inc.
Classification: Uncertain significance for Hereditary diffuse gastric adenocarcinoma. Last evaluated: 2023-03-06. Review status: criteria provided, single submitter. Criteria: Myriad Autosomal Dominant, Autosomal Recessive and X-Linked Classification Criteria (2023). Collection method: clinical testing. Allele origin: unknown. Not counted in ClinVar's aggregate classification.
Comment: This variant is classified as a variant of uncertain significance as there is insufficient evidence to determine its impact on protein function and/or cancer risk.

Color Diagnostics, LLC DBA Color Health
Classification: Uncertain significance for Hereditary cancer-predisposing syndrome. Last evaluated: 2022-05-06. Review status: criteria provided, single submitter. Criteria: ACMG Guidelines, 2015. Collection method: clinical testing. Allele origin: germline. Not counted in ClinVar's aggregate classification.
Comment: This missense variant replaces threonine with methionine at codon 340 of the CDH1 protein. To our knowledge, functional studies have not been reported for this variant. This variant has not been reported in individuals affected with hereditary cancer in the literature. This variant has been identified in 3/251490 chromosomes in the general population by the Genome Aggregation Database (gnomAD). The available evidence is insufficient to determine the role of this variant in disease conclusively. Therefore, this variant is classified as a Variant of Uncertain Significance.

Women's Health and Genetics/Laboratory Corporation of America, LabCorp
Classification: Uncertain significance. Last evaluated: 2021-09-30. Review status: criteria provided, single submitter. Criteria: LabCorp Variant Classification Summary - May 2015. Collection method: clinical testing. Allele origin: germline. Not counted in ClinVar's aggregate classification.
Comment: Variant summary: CDH1 c.1019C>T (p.Thr340Met) results in a non-conservative amino acid change located in the Cadherin-like domain of the encoded protein sequence. Four of five in-silico tools predict a benign effect of the variant on protein function. The variant allele was found at a frequency of 1.2e-05 in 251490 control chromosomes. The available data on variant occurrences in the general population are insufficient to allow any conclusion about variant significance. c.1019C>T has been reported in the literature in individuals affected with cancer as a somatic variant (e.g. Endo_2001, Giannakis_2014). These reports do not provide unequivocal conclusions about association of the variant with Hereditary Diffuse Gastric Cancer. To our knowledge, no experimental evidence demonstrating an impact on protein function has been reported. Five clinical diagnostic laboratories have submitted clinical-significance assessments for this variant to ClinVar after 2014 without evidence for independent evaluation (Likely benign n=1, VUS n=4). Based on the evidence outlined above, the variant was classified as uncertain significance.

Sema4
Classification: Uncertain significance for Hereditary cancer-predisposing syndrome. Last evaluated: 2021-09-28. Review status: criteria provided, single submitter. Criteria: Sema4 Curation Guidelines. Collection method: curation. Allele origin: germline. Not counted in ClinVar's aggregate classification.
Comment: The CDH1 c.1019C>T (p.T340M) missense variant has been reported in at least one individual with hereditary diffuse gastric cancer (PMID: 34537906). In a large breast cancer case control study, it was reported in 2/60,466 women with breast cancer and 1/53,461 control (PMID 33471991). This variant was observed in 2/16256 chromosomes in the African/African American population according to the Genome Aggregation Database (PMID: 32461654). This variant has been reported in ClinVar (Variation ID 141450). In silico tools suggest the impact of the variant on protein function is benign, though these predictions have not been confirmed by functional studies. The overall evidence is insufficient to meet ACMG/AMP criteria for classifying it as benign or pathogenic. In summary, the clinical significance of this variant is currently uncertain.

Ambry Genetics
Classification: Likely benign for Hereditary cancer-predisposing syndrome. Last evaluated: 2018-06-19. Review status: criteria provided, single submitter. Criteria: Ambry Variant Classification Scheme 2023. Collection method: clinical testing. Allele origin: germline. Not counted in ClinVar's aggregate classification.

Counsyl
Classification: Uncertain significance for Hereditary diffuse gastric adenocarcinoma. Last evaluated: 2017-06-02. Review status: no assertion criteria provided. Collection method: clinical testing. Allele origin: unknown. Not counted in ClinVar's aggregate classification.

Department of Pathology and Laboratory Medicine, Sinai Health System
Classification: Uncertain significance for Malignant tumor of breast. Review status: no assertion criteria provided. Collection method: clinical testing. Allele origin: unknown. Affected: yes. Study: The Canadian Open Genetics Repository (COGR). Not counted in ClinVar's aggregate classification.
Comment: The CDH1 p.Thr340Met variant was not identified in the literature nor was it identified in the MutDB, database. The variant was identified in dbSNP (ID: rs61747631) as "With other allele", ClinVar (classified as likely benign by Ambry Genetics; as uncertain significance by Invitae, GeneDx, Color Genomics, Counsyl), Cosmic (3x in biliary tract or large intestine), and in Zhejiang University databases. The variant was identified in control databases in 3 of 246268 chromosomes at a frequency of 0.00001 (Genome Aggregation Database Feb 27, 2017). The variant was observed in the African in 2 of 15304 chromosomes (freq: 0.0001), European in 1 of 22300 chromosomes (freq: 0.00005), while the variant was not observed in the Other, Latino, European, Ashkenazi Jewish, East Asian, and South Asian populations. The p.Thr340 residue is not conserved in mammals and four out of five computational analyses (PolyPhen-2, SIFT, AlignGVGD, BLOSUM, MutationTaster) do not suggest a high likelihood of impact to the protein; however, this information is not predictive enough to rule out pathogenicity. The variant occurs outside of the splicing consensus sequence and in silico or computational prediction software programs (SpliceSiteFinder, MaxEntScan, NNSPLICE, GeneSplicer, HumanSpliceFinder) do not predict a difference in splicing. In summary, based on the above information the clinical significance of this variant cannot be determined with certainty at this time. This variant is classified as a variant of uncertain significance.

Literature cited by the submitters: PubMed 11241409 (cited by Women's Health and Genetics/Laboratory Corporation of America, LabCorp); PubMed 25344691 (cited by Women's Health and Genetics/Laboratory Corporation of America, LabCorp); PubMed 34537906 (cited by Sema4); PubMed 33471991 (cited by Sema4).

NM_004360.5(CDH1):c.1019C>T (p.Thr340Met)

Gene: CDH1 (cadherin 1; plus strand). Cytogenetic location: 16q22.1.
Variant type: single nucleotide variant.
Coding change: c.1019C>T on transcript NM_004360.5 (MANE Select); coding-DNA position 1019, C replaced by T.
Protein change: p.Thr340Met; replaces threonine 340 with methionine.
Molecular consequence: missense variant. On other transcripts: 5 prime UTR variant (2).
Genome position (GRCh38, 1-based): chr16:68,812,145, C>T. VCF-style: chr16-68812145-C-T. GRCh37 (hg19) VCF-style: chr16-68846048-C-T.
Other names: NM_004360.5(CDH1):c.1019C>T; p.Thr340Met; c.1019C>T (LRG_301t1); c.1019C>T, p.Thr340Met (NM_001317184.2); c.-597C>T (NM_001317185.2); c.-801C>T (NM_001317186.2); short protein forms T340M.
Identifiers: ClinVar variation 141450 (VCV000141450.28), dbSNP rs61747631, ClinGen allele CA165437.